The following is an entry in ClinVar:

NM_004667.6(HERC2):c.1952T>C (p.Ile651Thr)

Gene: HERC2 (HECT and RLD domain containing E3 ubiquitin protein ligase 2; minus strand). Cytogenetic location: 15q13.1.
Variant type: single nucleotide variant.
Coding change: c.1952T>C on transcript NM_004667.6 (MANE Select); coding-DNA position 1952, T replaced by C.
Protein change: p.Ile651Thr; replaces isoleucine 651 with threonine.
Molecular consequence: missense variant.
Genome position (GRCh38, 1-based): chr15:28,263,088, A>G on the plus strand (T>C on the coding strand, the complement: HERC2 is on the minus strand). VCF-style: chr15-28263088-A-G. GRCh37 (hg19) VCF-style: chr15-28508234-A-G.
Other names: short protein forms I651T.
Identifiers: ClinVar variation 4756016 (VCV004756016.1).
Genomic context (GRCh38, chr15:28,263,088, plus strand): 5'-GCAATGGAAAACTGACTTCCACAGCGGACTTTGACCACATCCAAGTCTTGAAGCTTTTCA[A>G]TCAGCTTTGGGGTTTTGCAGCCATCACTACCACCTCTGCCCAATTTCCCATAGTCACCAT-3'
Protein context (NP_004658.3, residues 641-661): GSDGCKTPKL[Ile651Thr]EKLQDLDVVK

ClinVar aggregate classification (germline): Uncertain significance (1 of 4 stars; one submission).

gnomAD v4.1: 2 of 1,614,192 alleles (0.00012%); highest among the groups gnomAD compares: Non-Finnish European, 0.00017%; no homozygotes.

Submission:

GeneDx
Classification: Uncertain significance. Last evaluated: 2025-08-04. Review status: criteria provided, single submitter. Criteria: GeneDx Variant Classification Process June 2021. Collection method: clinical testing. Allele origin: germline. Affected: yes.
Comment: Not observed at significant frequency in large population cohorts (gnomAD); In silico analysis supports that this missense variant has a deleterious effect on protein structure/function; Has not been previously published as pathogenic or benign to our knowledge